The following is an entry in ClinVar:

NM_001285403.4(AIPL1):c.466-24_466-21del

Gene: AIPL1 (AIP like 1 HSP90 co-chaperone; minus strand). Cytogenetic location: 17p13.2.
Variant type: Deletion.
Coding change: c.466-24_466-21del on transcript NM_001285403.4; 24 bases into the intron before coding-DNA position 466 through 21 bases into the intron before coding-DNA position 466, 4 bases deleted (GTTG; older notation c.466-24_466-21delGTTG).
Molecular consequence: intron variant.
Genome position (GRCh38, 1-based): chr17:6,427,054-6,427,057, CAAC deleted on the plus strand (GTTG on the coding strand, the reverse complement: AIPL1 is on the minus strand); deleting any 4 consecutive bases within chr17:6,427,054-6,427,058 gives the same sequence; the c. name uses the placement nearest the transcript's 3' end. VCF-style (leftmost placement, unchanged base first): chr17-6427053-TCAAC-T. GRCh37 (hg19) VCF-style: chr17-6330373-TCAAC-T.
Identifiers: ClinVar variation 2733148 (VCV002733148.3), dbSNP rs1362798167, ClinGen allele CA774026875.

ClinVar aggregate classification (germline): Pathogenic (1 of 4 stars; one submission).

Conditions:
Leber congenital amaurosis 4 (LCA4). Identifiers: MedGen C1858386, MONDO:0011458, OMIM 604393.

Submission:

Labcorp Genetics (formerly Invitae), Labcorp
Classification: Pathogenic for Leber congenital amaurosis 4. Last evaluated: 2024-02-07. Review status: criteria provided, single submitter. Criteria: Invitae Variant Classification Sherloc (09022015). Collection method: clinical testing. Allele origin: germline.
Comment: This sequence change creates a premature translational stop signal (p.Val156Metfs*13) in the AIPL1 gene. It is expected to result in an absent or disrupted protein product. Loss-of-function variants in AIPL1 are known to be pathogenic (PMID: 10615133, 15249368, 15347646). This variant is not present in population databases (gnomAD no frequency). This variant has not been reported in the literature in individuals affected with AIPL1-related conditions. Algorithms developed to predict the effect of sequence changes on RNA splicing suggest that this variant may disrupt the consensus splice site. For these reasons, this variant has been classified as Pathogenic.

Literature cited by the submitters: PubMed 10615133; PubMed 15249368; PubMed 15347646.